The following is an entry in ClinVar:

NM_000231.3(SGCG):c.784T>C (p.Tyr262His)

Gene: SGCG (sarcoglycan gamma; plus strand). Cytogenetic location: 13q12.12.
Variant type: single nucleotide variant.
Coding change: c.784T>C on transcript NM_000231.3 (MANE Select); coding-DNA position 784, T replaced by C.
Protein change: p.Tyr262His; replaces tyrosine 262 with histidine.
Molecular consequence: missense variant.
Genome position (GRCh38, 1-based): chr13:23,324,449, T>C. VCF-style: chr13-23324449-T-C. GRCh37 (hg19) VCF-style: chr13-23898588-T-C.
Other names: c.838T>C, p.Tyr280His (NM_001378244.1); c.784T>C, p.Tyr262His (NM_001378245.1, NM_001378246.1); short protein forms Y262H, Y280H.
Identifiers: ClinVar variation 972499 (VCV000972499.6), dbSNP rs776357413, ClinGen allele CA6909844.

ClinVar aggregate classification (germline): Uncertain significance. Review status: criteria provided, multiple submitters, no conflicts (2 of 4 stars). 3 submissions from 3 submitters: Uncertain significance (2). 1 of the submissions does not count toward it. Last evaluated 2025-08-06.

Conditions:
Autosomal recessive limb-girdle muscular dystrophy type 2C (LGMDR5). Also called: MUSCULAR DYSTROPHY, LIMB-GIRDLE, AUTOSOMAL RECESSIVE 5; MUSCULAR DYSTROPHY, DUCHENNE-LIKE. Identifiers: Orphanet 353, MedGen C0410173, MONDO:0009677, OMIM 253700. Disease mechanism: Affects gamma-sarcoglycan and also disrupts the integrity of the entire sarcoglycan complex..

Allele frequency attached by ClinVar (database versions not stated): ExAC 0.00002; gnomAD exomes 0.00002; gnomAD 0.00003 and 0.00004; TOPMed 0.00003.
gnomAD v4.1: 42 of 1,613,956 alleles (0.0026%); highest among the groups gnomAD compares: Non-Finnish European, 0.0032%; no homozygotes.

Submissions (3):

GeneDx
Classification: Uncertain significance. Last evaluated: 2025-08-06. Review status: criteria provided, single submitter. Criteria: GeneDx Variant Classification Process June 2021. Collection method: clinical testing. Allele origin: germline. Affected: yes.
Comment: Not observed at significant frequency in large population cohorts (gnomAD); Missense variants in this gene are a common cause of disease and they are underrepresented in the general population; In silico analysis supports that this missense variant has a deleterious effect on protein structure/function; Has not been previously published as pathogenic or benign to our knowledge

Labcorp Genetics (formerly Invitae), Labcorp
Classification: Uncertain significance for Autosomal recessive limb-girdle muscular dystrophy type 2C. Last evaluated: 2022-10-04. Review status: criteria provided, single submitter. Criteria: Invitae Variant Classification Sherloc (09022015). Collection method: clinical testing. Allele origin: germline.
Comment: This sequence change replaces tyrosine, which is neutral and polar, with histidine, which is basic and polar, at codon 262 of the SGCG protein (p.Tyr262His). This variant is present in population databases (rs776357413, gnomAD 0.004%). This variant has not been reported in the literature in individuals affected with SGCG-related conditions. ClinVar contains an entry for this variant (Variation ID: 972499). Advanced modeling of protein sequence and biophysical properties (such as structural, functional, and spatial information, amino acid conservation, physicochemical variation, residue mobility, and thermodynamic stability) performed at Invitae indicates that this missense variant is not expected to disrupt SGCG protein function. In summary, the available evidence is currently insufficient to determine the role of this variant in disease. Therefore, it has been classified as a Variant of Uncertain Significance.

Natera, Inc.
Classification: Uncertain significance for Limb-girdle muscular dystrophy type 2C. Last evaluated: 2020-08-13. Review status: no assertion criteria provided. Collection method: clinical testing. Allele origin: germline. Not counted in ClinVar's aggregate classification.